The following is an entry in ClinVar:

GRCh37/hg19 1p36.21-36.12(chr1:16041431-21295864)x1

Genes: ALDH4A1 (aldehyde dehydrogenase 4 family member A1; minus strand), ARHGEF10L (Rho guanine nucleotide exchange factor 10 like; plus strand), ARHGEF19 (Rho guanine nucleotide exchange factor 19; minus strand), ATP13A2 (ATPase cation transporting 13A2; minus strand), CAMK2N1 (calcium/calmodulin dependent protein kinase II inhibitor 1; minus strand) and 70 more. Cytogenetic location: 1p36.21-36.12.
Variant type: copy number loss.
Change: copy number 1 (one copy instead of two) of chr1:16,041,431-21,295,864 (5.25 Mb, GRCh37 coordinates, 1-based), cytogenetic band 1p36.21-36.12.
Identifiers: ClinVar variation 980392 (VCV000980392.2).

ClinVar aggregate classification (germline): Pathogenic (1 of 4 stars; one submission).

Submission:

Quest Diagnostics Nichols Institute San Juan Capistrano
Classification: Pathogenic. Last evaluated: 2025-05-30. Review status: criteria provided, single submitter. Criteria: ACMG/ClinGen CNV Guidelines, 2019. Collection method: clinical testing. Allele origin: unknown.
Comment: This deletion involves at least 66 protein-coding genes. Deletions contained within 1p36.13p36.12 are associated with various phenotypic features (Aagaard 2020, Firth 2009, Herriges 2019). Deletions of this interval are included in the contiguous gene deletion syndrome of proximal 1p36 deletion syndrome (OMIM 619343). Additionally, haploinsufficiency of SDHB is associated with autosomal dominant pheochromocytoma/paraganglioma syndrome 4 (OMIM 115310; CCID:007814). There are no similar copy number losses of this region in the general populations of the Database of Genomic Variants. Thus, based on current medical literature and gene content, this copy number variant (CNV) is classified as pathogenic. References: Aagaard Nolting et al., Clin Genet. 2020 Jun;97(6):927-932. PMID: 32170730 Firth et al., Am J Hum Genet. 2009 Apr;84(4):524-33. PMID: 19344873 Herriges et al., Mol Cytogenet. 2019 May 17:12:20. PMID: 31131026